The following is an entry in ClinVar:

NM_000274.4(OAT):c.800C>T (p.Thr267Ile)

Gene: OAT (ornithine aminotransferase; minus strand). Cytogenetic location: 10q26.13.
Variant type: single nucleotide variant.
Coding change: c.800C>T on transcript NM_000274.4 (MANE Select); coding-DNA position 800, C replaced by T.
Protein change: p.Thr267Ile; replaces threonine 267 with isoleucine.
Molecular consequence: missense variant.
Genome position (GRCh38, 1-based): chr10:124,403,027, G>A on the plus strand (C>T on the coding strand, the complement: OAT is on the minus strand). VCF-style: chr10-124403027-G-A. GRCh37 (hg19) VCF-style: chr10-126091596-G-A.
Other names: c.386C>T, p.Thr129Ile (NM_001171814.2); c.800C>T, p.Thr267Ile (NM_001322965.2, NM_001322966.2, NM_001322967.2 and 3 more transcripts); c.479C>T, p.Thr160Ile (NM_001322971.2); c.200C>T, p.Thr67Ile (NM_001322974.2); short protein forms T129I, T267I, T160I, T67I.
Identifiers: ClinVar variation 56136 (VCV000056136.23), dbSNP rs386833618, ClinGen allele CA144180.
Genomic context (GRCh38, chr10:124,403,027, plus strand): 5'-ATATCAGGTCTGACATTTTCATAATCAACAGCCAGCCATCTACCAGTTCTGGCCAATCCT[G>A]TCTGTATTTCATCAGCAATAAAGAGAACCTATTGGGGAAAAAAAATACCCCTATTAGTGA-3'
Protein context (NP_000265.1, residues 257-277): QVLFIADEIQ[Thr267Ile]GLARTGRWLA

ClinVar aggregate classification (germline): Pathogenic/Likely pathogenic. Review status: criteria provided, multiple submitters, no conflicts (2 of 4 stars). 10 submissions from 10 submitters: Pathogenic (2); Likely pathogenic (5). 3 of the submissions do not count toward it. Last evaluated 2026-03-31.

Conditions:
OAT-related disorder. Also called: OAT-related condition.
Ornithine aminotransferase deficiency (GACR). Also called: Ornithine ketoacid aminotransferase deficiency; Gyrate atrophy; Gyrate atrophy of choroid and retina; Girate atrophy of the retina; OKT DEFICIENCY; HYPERORNITHINEMIA WITH GYRATE ATROPHY OF CHOROID AND RETINA. Identifiers: Orphanet 414, MedGen C0018425, MONDO:0009796, OMIM 258870.

Allele frequency attached by ClinVar (database versions not stated): gnomAD 0.00001; gnomAD exomes 0.00001 and 0.00004; TOPMed 0.00002; ExAC 0.00005.

Submissions (10):

PreventionGenetics, part of Exact Sciences
Classification: Likely pathogenic for OAT-related condition. Last evaluated: 2026-03-31. Review status: criteria provided, single submitter. Criteria: ACMG Guidelines, 2015. Collection method: clinical testing. Allele origin: germline.
Comment: The OAT c.800C>T variant is predicted to result in the amino acid substitution p.Thr267Ile. This variant has been reported in the compound heterozygous state in individuals with gyrate atrophy (Brody et al. 1992. PubMed ID: 1737786; Heller et al. 2017. PubMed ID: 28388263; Supplementary table 2, Sharon et al. 2019. PubMed ID: 31456290). This variant has been shown to impact OAT protein levels (Brody et al. 1992. PubMed ID: 1737786). This variant is reported in 0.080% of alleles in individuals of Ashkenazi Jewish descent in gnomAD. This variant is interpreted as likely pathogenic.

Labcorp Genetics (formerly Invitae), Labcorp
Classification: Pathogenic for Ornithine aminotransferase deficiency. Last evaluated: 2025-12-09. Review status: criteria provided, single submitter. Criteria: Invitae Variant Classification Sherloc (09022015). Collection method: clinical testing. Allele origin: germline.
Comment: This sequence change replaces threonine, which is neutral and polar, with isoleucine, which is neutral and non-polar, at codon 267 of the OAT protein (p.Thr267Ile). This variant is present in population databases (rs386833618, gnomAD 0.08%). This missense change has been observed in individual(s) with gyrate atrophy (PMID: 1737786, 28388263, 31456290; internal data). In at least one individual the data is consistent with being in trans (on the opposite chromosome) from a pathogenic variant. ClinVar contains an entry for this variant (Variation ID: 56136). Invitae Evidence Modeling of protein sequence and biophysical properties (such as structural, functional, and spatial information, amino acid conservation, physicochemical variation, residue mobility, and thermodynamic stability) indicates that this missense variant is expected to disrupt OAT protein function with a positive predictive value of 80%. Studies have shown that this missense change alters OAT gene expression (PMID: 1737786). For these reasons, this variant has been classified as Pathogenic.

Variantyx, Inc.
Classification: Likely pathogenic for Ornithine aminotransferase deficiency. Last evaluated: 2025-08-16. Review status: criteria provided, single submitter. Criteria: Variantyx Assertion Criteria 2022. Collection method: clinical testing. Allele origin: germline. Inheritance: Autosomal recessive inheritance. Affected: no.
Comment: This is a nonsynonymous variant in the OAT gene (OMIM: 613349). Pathogenic variants in this gene have been associated with autosomal recessive gyrate atrophy of the choroid and retina with or without ornithinemia. This variant has been reported in the homozygous or compound heterozygous state in at least 2 unrelated affected individuals (PMID: 1737786, 38638626) (PM3). Functional studies have shown that this variant alters OAT expression (PMID: 1737786) (PS3) and multiple computational algorithms predict a deleterious effect for this variant (REVEL score: 0.91) (PP3). This variant has a 0.0003% maximum allele frequency in non-founder control populations (PM2). Based on the current evidence, this variant is classified as likely pathogenic for autosomal recessive gyrate atrophy of the choroid and retina with or without ornithinemia.

Fulgent Genetics
Classification: Likely pathogenic for Ornithine aminotransferase deficiency. Last evaluated: 2024-06-06. Review status: criteria provided, single submitter. Criteria: ACMG Guidelines, 2015. Collection method: clinical testing. Allele origin: germline.

Baylor Genetics
Classification: Likely pathogenic for Ornithine aminotransferase deficiency. Last evaluated: 2024-02-19. Review status: criteria provided, single submitter. Criteria: ACMG Guidelines, 2015. Collection method: clinical testing. Allele origin: unknown.

Revvity Omics, Revvity
Classification: Likely pathogenic for Ornithine aminotransferase deficiency. Last evaluated: 2023-10-16. Review status: criteria provided, single submitter. Criteria: ACMG Guidelines, 2015. Collection method: clinical testing. Allele origin: germline.

Blueprint Genetics
Classification: Pathogenic for OAT-related disorders. Last evaluated: 2022-02-09. Review status: criteria provided, single submitter. Criteria: ACMG Guidelines, 2015. Collection method: clinical testing. Allele origin: germline. Affected: yes. Observed: 3 variant alleles.

Natera, Inc.
Classification: Likely pathogenic for Gyrate atrophy. Last evaluated: 2020-08-11. Review status: no assertion criteria provided. Collection method: clinical testing. Allele origin: germline. Not counted in ClinVar's aggregate classification.

Sharon lab, Hadassah-Hebrew University Medical Center
Classification: Likely pathogenic for Gyrate Atrophy. Last evaluated: 2019-06-23. Review status: no assertion criteria provided. Collection method: research. Allele origin: inherited. Affected: yes. Not counted in ClinVar's aggregate classification.

Juha Muilu Group; Institute for Molecular Medicine Finland (FIMM)
Classification: Likely pathogenic for Ornithine aminotransferase deficiency. Review status: no assertion criteria provided. Collection method: not provided. Allele origin: unknown. Not counted in ClinVar's aggregate classification.
Comment: FinDis database variant: This variant was not found or characterized by our laboratory, data were collected from public sources: see reference
ClinVar note: Converted during submission from probable-pathogenic to Likely pathogenic.

Literature cited by the submitters: PubMed 1737786 (cited by Labcorp Genetics (formerly Invitae), Labcorp and Variantyx, Inc.); PubMed 28388263 (cited by Labcorp Genetics (formerly Invitae), Labcorp); PubMed 31456290 (cited by Labcorp Genetics (formerly Invitae), Labcorp); PubMed 38638626 (cited by Variantyx, Inc.).